The following is an entry in ClinVar:

ClinVar aggregate classification (germline): Uncertain significance (1 of 4 stars; one submission).

Submission:

CeGaT Center for Human Genetics Tuebingen
Classification: Uncertain significance. Last evaluated: 2025-11-01. Review status: criteria provided, single submitter. Criteria: CeGaT Center For Human Genetics Tuebingen Variant Classification Criteria Version 2. Collection method: clinical testing. Allele origin: germline. Affected: yes. Observed: 1 variant allele.
Comment: SPTA1: PM2, BP4

NM_003126.4(SPTA1):c.81G>T (p.Arg27Ser)

Gene: SPTA1 (spectrin alpha, erythrocytic 1; minus strand). Cytogenetic location: 1q23.1.
Variant type: single nucleotide variant.
Coding change: c.81G>T on transcript NM_003126.4 (MANE Select); coding-DNA position 81, G replaced by T.
Protein change: p.Arg27Ser; replaces arginine 27 with serine.
Molecular consequence: missense variant.
Genome position (GRCh38, 1-based): chr1:158,685,291, C>A on the plus strand (G>T on the coding strand, the complement: SPTA1 is on the minus strand). VCF-style: chr1-158685291-C-A. GRCh37 (hg19) VCF-style: chr1-158655081-C-A.
Other names: short protein forms R27S.
Identifiers: ClinVar variation 4535383 (VCV004535383.6).
Genomic context (GRCh38, chr1:158,685,291, plus strand): 5'-CTGACCCCTCTCAGCGACCCGCTCCTTGAAACTTTGATACCGAGTCAACACTTCCTGACG[C>A]CTCTCCTGGATCTCTTCTGCTGTTTCCAAAACCTTTGGCCCACTGCTCTCCACAACCTGC-3'
Protein context (NP_003117.2, residues 17-37): VLETAEEIQE[Arg27Ser]RQEVLTRYQS